The following is an entry in ClinVar:

NM_014141.6(CNTNAP2):c.2292C>T (p.His764=)

Gene: CNTNAP2 (contactin associated protein 2; plus strand). Cytogenetic location: 7q35.
Variant type: single nucleotide variant.
Coding change: c.2292C>T on transcript NM_014141.6 (MANE Select); coding-DNA position 2292, C replaced by T.
Protein change: p.His764=; no amino-acid change (histidine 764 retained).
Molecular consequence: synonymous variant.
Genome position (GRCh38, 1-based): chr7:147,977,898, C>T. VCF-style: chr7-147977898-C-T. GRCh37 (hg19) VCF-style: chr7-147674990-C-T.
Other names: p.H764H:CAC>CAT.
Identifiers: ClinVar variation 194532 (VCV000194532.21), dbSNP rs143286960, ClinGen allele CA240551.

ClinVar aggregate classification (germline): Conflicting classifications of pathogenicity. Review status: criteria provided, conflicting classifications (1 of 4 stars). 5 submissions from 5 submitters: Uncertain significance (1); Benign (1); Likely benign (3). Last evaluated 2026-01-26.

Conditions:
Inborn genetic diseases. Identifiers: MedGen C0950123, MeSH D030342.
Cortical dysplasia-focal epilepsy syndrome (PTHSL1). Also called: Pitt-Hopkins-like syndrome 1. Identifiers: Orphanet 163681, Orphanet 221150, MedGen C2750246, MONDO:0012400, OMIM 610042.

Allele frequency attached by ClinVar (database versions not stated): gnomAD exomes 0.00007 and 0.00013; ExAC 0.00015; 1000 Genomes Project 0.00040; 1000 Genomes Project 30x 0.00047; gnomAD 0.00059 and 0.00063; ESP Exome Variant Server 0.00062; TOPMed 0.00076.
gnomAD v4.1: 194 of 1,614,112 alleles (0.012%); highest among the groups gnomAD compares: African/African-American, 0.24%; no homozygotes.

Submissions (5):

Labcorp Genetics (formerly Invitae), Labcorp
Classification: Likely benign for Cortical dysplasia-focal epilepsy syndrome. Last evaluated: 2026-01-26. Review status: criteria provided, single submitter. Criteria: Invitae Variant Classification Sherloc (09022015). Collection method: clinical testing. Allele origin: germline.

Blueprint Genetics
Classification: Likely benign. Last evaluated: 2019-10-15. Review status: criteria provided, single submitter. Criteria: ACMG Guidelines, 2015. Collection method: clinical testing. Allele origin: germline.

Ambry Genetics
Classification: Likely benign for Inborn genetic diseases. Last evaluated: 2016-12-15. Review status: criteria provided, single submitter. Criteria: Ambry Variant Classification Scheme 2023. Collection method: clinical testing. Allele origin: germline.

Eurofins Ntd Llc (ga)
Classification: Uncertain significance. Last evaluated: 2014-07-25. Review status: criteria provided, single submitter. Criteria: EGL Classification Definitions 2015. Collection method: clinical testing. Allele origin: germline. Observed: 1 variant allele, 1 heterozygote.

GeneDx
Classification: Benign. Last evaluated: 2014-06-11. Review status: criteria provided, single submitter. Criteria: GeneDx Variant Classification (06012015). Collection method: clinical testing. Allele origin: germline. Affected: yes.
Comment: This variant is considered likely benign or benign based on one or more of the following criteria: it is a conservative change, it occurs at a poorly conserved position in the protein, it is predicted to be benign by multiple in silico algorithms, and/or has population frequency not consistent with disease.